The following is an entry in ClinVar:

ClinVar aggregate classification (germline): Likely benign (1 of 4 stars; one submission).

Conditions:
RIMS1-related disorder. Also called: RIMS1-related condition.

gnomAD v4.1: 142 of 151,388 alleles (0.094%); highest among the groups gnomAD compares: Middle Eastern, 0.34%; no homozygotes.

Submission:

PreventionGenetics, part of Exact Sciences
Classification: Likely benign for RIMS1-related condition. Last evaluated: 2024-10-14. Review status: criteria provided, single submitter. Criteria: ACMG Guidelines, 2015. Collection method: clinical testing. Allele origin: germline.
Comment: This variant is classified as likely benign based on ACMG/AMP sequence variant interpretation guidelines (Richards et al. 2015 PMID: 25741868, with internal and published modifications).

NM_014989.7(RIMS1):c.3851-4726G>A

Gene: RIMS1 (regulating synaptic membrane exocytosis 1; plus strand). Cytogenetic location: 6q13.
Variant type: single nucleotide variant.
Coding change: c.3851-4726G>A on transcript NM_014989.7 (MANE Select); 4726 bases into the intron before coding-DNA position 3851, G replaced by A.
Molecular consequence: intron variant. On other transcripts: 3 prime UTR variant (1).
Genome position (GRCh38, 1-based): chr6:72,302,532, G>A. VCF-style: chr6-72302532-G-A. GRCh37 (hg19) VCF-style: chr6-73012235-G-A.
Other names: c.*7G>A (NM_001350452.2); c.1744+10486G>A (NM_001350428.2); c.1673-4726G>A (NM_001350459.2); c.1672+10486G>A (NM_001350424.2); c.1754-4726G>A (NM_001350437.2); c.1741+10486G>A (NM_001350430.2, NM_001168408.2); c.1670-4726G>A (NM_001350421.2); c.1669+10486G>A (NM_001350450.2); and 52 more.
Identifiers: ClinVar variation 4984305 (VCV004984305.1).
Genomic context (GRCh38, chr6:72,302,532, plus strand): 5'-TTCATCTTTTCTTGTTAATCTCAGCTTTTTTTTTCCACTGCAGTCAATAACTGAAGCATA[G>A]GAGGTGTGTCATTTATATTCTTCTGTCTACCTGACAACTTCCAAATAAGCGGTCATTTAT-3'